The following is an entry in ClinVar:

ClinVar aggregate classification (germline): Pathogenic (1 of 4 stars; one submission).

Conditions:
Congenital hyperammonemia, type I. Also called: Carbamoyl-phosphate synthase I deficiency; CPS I DEFICIENCY; Carbamoyl phosphate synthetase I deficiency disease; Carbamoyl phosphate synthetase 1 deficiency; Hyperammonemia due to carbamoyl phosphate synthetase 1 deficiency; CPS 1 deficiency. Identifiers: Orphanet 147, MedGen C4082171, MONDO:0009376, OMIM 237300.

Submission:

Labcorp Genetics (formerly Invitae), Labcorp
Classification: Pathogenic for Congenital hyperammonemia, type I. Last evaluated: 2023-02-20. Review status: criteria provided, single submitter. Criteria: Invitae Variant Classification Sherloc (09022015). Collection method: clinical testing. Allele origin: germline.
Comment: For these reasons, this variant has been classified as Pathogenic. This variant has not been reported in the literature in individuals affected with CPS1-related conditions. This variant is not present in population databases (gnomAD no frequency). This sequence change creates a premature translational stop signal (p.His1382Ilefs*4) in the CPS1 gene. It is expected to result in an absent or disrupted protein product. Loss-of-function variants in CPS1 are known to be pathogenic (PMID: 21120950).

Literature cited by the submitters: PubMed 21120950.

NM_001875.5(CPS1):c.4140_4143dup (p.His1382fs)

Gene: CPS1 (carbamoyl-phosphate synthase 1; plus strand). Cytogenetic location: 2q34.
Variant type: Duplication.
Coding change: c.4140_4143dup on transcript NM_001875.5 (MANE Select); coding-DNA positions 4140 to 4143, 4 bases duplicated (ATTA; older notation c.4140_4143dupATTA).
Protein change: p.His1382fs; shifts the reading frame from histidine 1382.
Molecular consequence: frameshift variant. On other transcripts: non-coding transcript variant (2).
Genome position (GRCh38, 1-based): chr2:210,674,940-210,674,943, ATTA duplicated; duplicating any 4 consecutive bases within chr2:210,674,939-210,674,943 gives the same sequence; the c. name uses the placement nearest the transcript's 3' end. VCF-style (leftmost placement, unchanged base first): chr2-210674938-C-CAATT. GRCh37 (hg19) VCF-style: chr2-211539662-C-CAATT.
Other names: c.4140_4143dup, p.His1382fs (NM_001122633.3, NM_001369257.1); c.4173_4176dup, p.His1393fs (NM_001369256.1); short protein forms H1393fs, H1382fs.
Identifiers: ClinVar variation 2903146 (VCV002903146.3), dbSNP rs2469378722, ClinGen allele CA2739278184.